The following is an entry in ClinVar:

NM_020800.3(IFT80):c.377A>C (p.Glu126Ala)

Genes: TRIM59-IFT80 (TRIM59-IFT80 readthrough (NMD candidate); minus strand), IFT80 (intraflagellar transport 80; minus strand). Cytogenetic location: 3q25.33.
Variant type: single nucleotide variant.
Coding change: c.377A>C on transcript NM_020800.3 (MANE Select); coding-DNA position 377, A replaced by C.
Protein change: p.Glu126Ala; replaces glutamic acid 126 with alanine.
Molecular consequence: missense variant. On other transcripts: non-coding transcript variant (2), 5 prime UTR variant (2).
Genome position (GRCh38, 1-based): chr3:160,375,874, T>G on the plus strand (A>C on the coding strand, the complement: IFT80 is on the minus strand). VCF-style: chr3-160375874-T-G. GRCh37 (hg19) VCF-style: chr3-160093662-T-G.
Other names: c.-35A>C (NM_001190241.2, NM_001190242.2); c.377A>C (NM_020800.2); short protein forms E126A.
Identifiers: ClinVar variation 1009276 (VCV001009276.6), dbSNP rs574860967, ClinGen allele CA2685503.
Genomic context (GRCh38, chr3:160,375,874, plus strand): 5'-TGCTGAGCTAAAGTTGATCTAAGCATCCCAGTCTTTGACCAAATTTTTATTTGTCCATCT[T>G]CTCCAACTATACAGGGAAAAAAAAATTAATCAGTATTTTTACCTATAGAAAATAAATTTA-3'
Protein context (NP_065851.1, residues 116-136): YEGTALVTVG[Glu126Ala]DGQIKIWSKT

ClinVar aggregate classification (germline): Uncertain significance. Review status: criteria provided, multiple submitters, no conflicts (2 of 4 stars). 3 submissions from 3 submitters: Uncertain significance (3). Last evaluated 2025-10-02.

Conditions:
Jeune thoracic dystrophy. Also called: Jeune syndrome; Infantile thoracic dystrophy; Thoracic pelvic phalangeal dystrophy; Jeune's syndrome; Chondroectodermal dysplasia-like syndrome; Short-rib thoracic dysplasia. Identifiers: Orphanet 474, MedGen C0265275, MONDO:0018770.
Inborn genetic diseases. Identifiers: MedGen C0950123, MeSH D030342.
Asphyxiating thoracic dystrophy 2 (SRTD2). Also called: SHORT-RIB THORACIC DYSPLASIA 2 WITH OR WITHOUT POLYDACTYLY; SHORT-RIB THORACIC DYSPLASIA 2 WITH POLYDACTYLY; SHORT-RIB THORACIC DYSPLASIA 2 WITHOUT POLYDACTYLY. Identifiers: Orphanet 474, MedGen C1970005, MONDO:0012644, OMIM 611263.

Allele frequency attached by ClinVar (database versions not stated): gnomAD exomes 0.00001 and 0.00003; ExAC 0.00002; gnomAD 0.00002 and 0.00003; TOPMed 0.00002; 1000 Genomes Project 30x 0.00016; 1000 Genomes Project 0.00020.
gnomAD v4.1: 44 of 1,604,234 alleles (0.0027%); highest among the groups gnomAD compares: Middle Eastern, 0.083%; no homozygotes.

Submissions (3):

Ambry Genetics
Classification: Uncertain significance for Inborn genetic diseases. Last evaluated: 2025-10-02. Review status: criteria provided, single submitter. Criteria: Ambry Variant Classification Scheme 2023. Collection method: clinical testing. Allele origin: germline.

Fulgent Genetics
Classification: Uncertain significance for Asphyxiating thoracic dystrophy 2. Last evaluated: 2024-05-13. Review status: criteria provided, single submitter. Criteria: ACMG Guidelines, 2015. Collection method: clinical testing. Allele origin: germline.

Labcorp Genetics (formerly Invitae), Labcorp
Classification: Uncertain significance for Jeune thoracic dystrophy. Last evaluated: 2023-10-03. Review status: criteria provided, single submitter. Criteria: Invitae Variant Classification Sherloc (09022015). Collection method: clinical testing. Allele origin: germline.
Comment: This sequence change replaces glutamic acid, which is acidic and polar, with alanine, which is neutral and non-polar, at codon 126 of the IFT80 protein (p.Glu126Ala). This variant is present in population databases (rs574860967, gnomAD 0.003%). This variant has not been reported in the literature in individuals affected with IFT80-related conditions. ClinVar contains an entry for this variant (Variation ID: 1009276). Advanced modeling of protein sequence and biophysical properties (such as structural, functional, and spatial information, amino acid conservation, physicochemical variation, residue mobility, and thermodynamic stability) has been performed at Invitae for this missense variant, however the output from this modeling did not meet the statistical confidence thresholds required to predict the impact of this variant on IFT80 protein function. In summary, the available evidence is currently insufficient to determine the role of this variant in disease. Therefore, it has been classified as a Variant of Uncertain Significance.